The following is an entry in ClinVar:

ClinVar aggregate classification (germline): Uncertain significance. Review status: criteria provided, multiple submitters, no conflicts (2 of 4 stars). 3 submissions from 3 submitters: Uncertain significance (3). Last evaluated 2024-07-15.

Conditions:
Cardiovascular phenotype. Identifiers: MedGen CN230736.
Hypertrophic cardiomyopathy. Also called: HYPERTROPHIC MYOCARDIOPATHY. Identifiers: Orphanet 217569, MedGen C0007194, MeSH D002312, MONDO:0005045, HP:0001639.

Submissions (3):

Ambry Genetics
Classification: Uncertain significance for Cardiovascular phenotype. Last evaluated: 2024-07-15. Review status: criteria provided, single submitter. Criteria: Ambry Variant Classification Scheme 2023. Collection method: clinical testing. Allele origin: germline.
Comment: The p.D587N variant (also known as c.1759G>A), located in coding exon 14 of the MYH7 gene, results from a G to A substitution at nucleotide position 1759. The aspartic acid at codon 587 is replaced by asparagine, an amino acid with highly similar properties. This alteration is located in the myosin head domain, which contains a statistically significant clustering of pathogenic missense variants (Homburger JR et al. Proc Natl Acad Sci U S A, 2016 06;113:6701-6; Walsh R et al. Genet Med, 2017 02;19:192-203; Ambry internal data). This alteration has been reported in hypertrophic cardiomyopathy (HCM) cohorts (Saltzman AJ et al. Circ Res, 2010 May;106:1549-52; Walsh R et al. Genet Med, 2017 Feb;19:192-203; Harper AR et al. Nat Genet, 2021 Feb;53:135-142). This amino acid position is highly conserved in available vertebrate species. In addition, this alteration is predicted to be tolerated by in silico analysis. Based on the available evidence, the clinical significance of this variant remains unclear.

Laboratory for Molecular Medicine, Mass General Brigham Personalized Medicine
Classification: Uncertain significance for Hypertrophic cardiomyopathy. Last evaluated: 2022-07-25. Review status: criteria provided, single submitter. Criteria: ACMG Guidelines, 2015. Collection method: clinical testing. Allele origin: germline.
Comment: proposed classification - variant undergoing re-assessment, contact laboratory

Labcorp Genetics (formerly Invitae), Labcorp
Classification: Uncertain significance for Hypertrophic cardiomyopathy. Last evaluated: 2022-05-04. Review status: criteria provided, single submitter. Criteria: Invitae Variant Classification Sherloc (09022015). Collection method: clinical testing. Allele origin: germline.
Comment: ClinVar contains an entry for this variant (Variation ID: 177707). This missense change has been observed in individual(s) with clinical features of MYH7-related conditions (PMID: 27532257). This variant is not present in population databases (gnomAD no frequency). This sequence change replaces aspartic acid, which is acidic and polar, with asparagine, which is neutral and polar, at codon 587 of the MYH7 protein (p.Asp587Asn). In summary, the available evidence is currently insufficient to determine the role of this variant in disease. Therefore, it has been classified as a Variant of Uncertain Significance. This variant is found within a region of MYH7 between codons 181 and 937 that contains the majority of the myosin head domain. Missense variants in this region have been shown to be significantly overrepresented in individuals with hypertrophic cardiomyopathy (PMID: 27532257). Algorithms developed to predict the effect of missense changes on protein structure and function are either unavailable or do not agree on the potential impact of this missense change (SIFT: "Deleterious"; PolyPhen-2: "Possibly Damaging"; Align-GVGD: "Class C15").

Literature cited by the submitters: PubMed 20378854 (cited by Ambry Genetics); PubMed 27532257 (cited by Ambry Genetics and Labcorp Genetics (formerly Invitae), Labcorp); PubMed 33495597 (cited by Ambry Genetics).

NM_000257.4(MYH7):c.1759G>A (p.Asp587Asn)

Gene: MYH7 (myosin heavy chain 7; minus strand). Cytogenetic location: 14q11.2.
Variant type: single nucleotide variant.
Coding change: c.1759G>A on transcript NM_000257.4 (MANE Select); coding-DNA position 1759, G replaced by A.
Protein change: p.Asp587Asn; replaces aspartic acid 587 with asparagine.
Molecular consequence: missense variant.
Genome position (GRCh38, 1-based): chr14:23,427,714, C>T on the plus strand (G>A on the coding strand, the complement: MYH7 is on the minus strand). VCF-style: chr14-23427714-C-T. GRCh37 (hg19) VCF-style: chr14-23896923-C-T.
Other names: short protein forms D587N.
Identifiers: ClinVar variation 177707 (VCV000177707.10), dbSNP rs727504294, ClinGen allele CA011221.
Genomic context (GRCh38, chr14:23,427,714, plus strand): 5'-CCACGACAGTCTCATTGAGAGGATCCTTGTTCTTCTGCAGCCAGCCAATGATGTTGTAGT[C>T]CACGATGCCGGCATAGTGGATCAGGGAGAAGTGGGCTTCAGGCTTCCCCTTGATATTGCG-3'
Protein context (NP_000248.2, residues 577-597): FSLIHYAGIV[Asp587Asn]YNIIGWLQKN